The following is an entry in ClinVar:

NM_000143.4(FH):c.1109-15G>A

Gene: FH (fumarate hydratase; minus strand). Cytogenetic location: 1q43.
Variant type: single nucleotide variant.
Coding change: c.1109-15G>A on transcript NM_000143.4 (MANE Select); 15 bases into the intron before coding-DNA position 1109, G replaced by A.
Molecular consequence: intron variant.
Genome position (GRCh38, 1-based): chr1:241,502,585, C>T on the plus strand (G>A on the coding strand, the complement: FH is on the minus strand). VCF-style: chr1-241502585-C-T. GRCh37 (hg19) VCF-style: chr1-241665885-C-T.
Identifiers: ClinVar variation 1580547 (VCV001580547.10), dbSNP rs2147915063, ClinGen allele CA2573132917.
Genomic context (GRCh38, chr1:241,502,585, plus strand): 5'-GCTGCAACCATGGTCATTGCTTCACACTGAGTAGGGTTCACCTTGCCTTCAAGAAAACCA[C>T]CAATGACAGAGTAAAGACTAAATTTATGCAAATAATCAGGAGAATAAAGAAATCTAATTT-3'

ClinVar aggregate classification (germline): Likely benign. Review status: criteria provided, multiple submitters, no conflicts (2 of 4 stars). 3 submissions from 3 submitters: Likely benign (3). Last evaluated 2024-10-21.

Conditions:
Hereditary leiomyomatosis and renal cell cancer. Also called: Multiple cutaneous leiomyomas; Familial leiomyomatosis; MULTIPLE CUTANEOUS AND UTERINE LEIOMYOMATA 1, WITH OR WITHOUT RENAL CELL CARCINOMA; LEIOMYOMA, MULTIPLE CUTANEOUS; Reed syndrome; Multiple cutaneous and uterine leiomyomatosis. Identifiers: Orphanet 523, MedGen C1708350, MONDO:0007888, OMIM 150800, HP:0007437. Disease mechanism: loss of function.

gnomAD v4.1: 2 of 1,613,748 alleles (0.00012%); highest among the groups gnomAD compares: Non-Finnish European, 0.00017%; no homozygotes.

Submissions (3):

Myriad Genetics, Inc.
Classification: Likely benign for Hereditary leiomyomatosis and renal cell cancer. Last evaluated: 2024-10-21. Review status: criteria provided, single submitter. Criteria: Myriad Autosomal Dominant, Autosomal Recessive and X-Linked Classification Criteria (2023). Collection method: clinical testing. Allele origin: unknown.
Comment: This variant is considered likely benign. This variant is intronic and is not expected to impact mRNA splicing.

Labcorp Genetics (formerly Invitae), Labcorp
Classification: Likely benign. Last evaluated: 2024-04-06. Review status: criteria provided, single submitter. Criteria: Invitae Variant Classification Sherloc (09022015). Collection method: clinical testing. Allele origin: germline.

Blueprint Genetics
Classification: Likely benign. Last evaluated: 2024-02-16. Review status: criteria provided, single submitter. Criteria: ACMG Guidelines, 2015. Collection method: clinical testing. Allele origin: germline.